The following is an entry in ClinVar:

ClinVar aggregate classification (germline): Uncertain significance (1 of 4 stars; one submission).

Submission:

Labcorp Genetics (formerly Invitae), Labcorp
Classification: Uncertain significance. Last evaluated: 2023-03-04. Review status: criteria provided, single submitter. Criteria: Invitae Variant Classification Sherloc (09022015). Collection method: clinical testing. Allele origin: germline.
Comment: This variant has not been reported in the literature in individuals affected with COL2A1-related conditions. This variant is not present in population databases (gnomAD no frequency). This sequence change replaces serine, which is neutral and polar, with arginine, which is basic and polar, at codon 1039 of the COL2A1 protein (p.Ser1039Arg). ClinVar contains an entry for this variant (Variation ID: 1490019). Advanced modeling of protein sequence and biophysical properties (such as structural, functional, and spatial information, amino acid conservation, physicochemical variation, residue mobility, and thermodynamic stability) performed at Invitae indicates that this missense variant is not expected to disrupt COL2A1 protein function. In summary, the available evidence is currently insufficient to determine the role of this variant in disease. Therefore, it has been classified as a Variant of Uncertain Significance.

NM_001844.5(COL2A1):c.3117C>A (p.Ser1039Arg)

Gene: COL2A1 (collagen type II alpha 1 chain; minus strand). Cytogenetic location: 12q13.11.
Variant type: single nucleotide variant.
Coding change: c.3117C>A on transcript NM_001844.5 (MANE Select); coding-DNA position 3117, C replaced by A.
Protein change: p.Ser1039Arg; replaces serine 1039 with arginine.
Molecular consequence: missense variant.
Genome position (GRCh38, 1-based): chr12:47,977,648, G>T on the plus strand (C>A on the coding strand, the complement: COL2A1 is on the minus strand). VCF-style: chr12-47977648-G-T. GRCh37 (hg19) VCF-style: chr12-48371431-G-T.
Other names: c.2910C>A, p.Ser970Arg (NM_033150.3); short protein forms S1039R, S970R.
Identifiers: ClinVar variation 1490019 (VCV001490019.8), dbSNP rs1938799246, ClinGen allele CA384540587.